The following is an entry in ClinVar:

ClinVar aggregate classification (germline): Uncertain significance (1 of 4 stars; one submission).

gnomAD v4.1: 38 of 1,614,108 alleles (0.0024%); highest among the groups gnomAD compares: Non-Finnish European, 0.0031%; no homozygotes.

Submission:

Mayo Clinic Laboratories, Mayo Clinic
Classification: Uncertain significance. Last evaluated: 2024-07-11. Review status: criteria provided, single submitter. Criteria: ACMG Guidelines, 2015. Collection method: clinical testing. Allele origin: germline. Observed: 1 variant allele.
Comment: BP4, PM2

NM_000232.5(SGCB):c.904A>G (p.Ser302Gly)

Gene: SGCB (sarcoglycan beta; minus strand). Cytogenetic location: 4q12.
Variant type: single nucleotide variant.
Coding change: c.904A>G on transcript NM_000232.5 (MANE Select); coding-DNA position 904, A replaced by G.
Protein change: p.Ser302Gly; replaces serine 302 with glycine.
Molecular consequence: missense variant.
Genome position (GRCh38, 1-based): chr4:52,024,010, T>C on the plus strand (A>G on the coding strand, the complement: SGCB is on the minus strand). VCF-style: chr4-52024010-T-C. GRCh37 (hg19) VCF-style: chr4-52890176-T-C.
Other names: p.Ser302Gly; short protein forms S302G.
Identifiers: ClinVar variation 3379536 (VCV003379536.1).